The following is an entry in ClinVar:

ClinVar aggregate classification (germline): Uncertain significance (1 of 4 stars; one submission).

Allele frequency attached by ClinVar (database versions not stated): gnomAD 0.00001.
gnomAD v4.1: 1 of 1,612,278 alleles (0.000062%); highest among the groups gnomAD compares: Non-Finnish European, 0.000085%; no homozygotes.

Submission:

Labcorp Genetics (formerly Invitae), Labcorp
Classification: Uncertain significance. Last evaluated: 2023-11-27. Review status: criteria provided, single submitter. Criteria: Invitae Variant Classification Sherloc (09022015). Collection method: clinical testing. Allele origin: germline.
Comment: This sequence change replaces aspartic acid, which is acidic and polar, with glycine, which is neutral and non-polar, at codon 26 of the ARL3 protein (p.Asp26Gly). This variant is not present in population databases (gnomAD no frequency). This variant has not been reported in the literature in individuals affected with ARL3-related conditions. ClinVar contains an entry for this variant (Variation ID: 1979909). An algorithm developed to predict the effect of missense changes on protein structure and function (PolyPhen-2) suggests that this variant is likely to be disruptive. In summary, the available evidence is currently insufficient to determine the role of this variant in disease. Therefore, it has been classified as a Variant of Uncertain Significance.

NM_004311.4(ARL3):c.77A>G (p.Asp26Gly)

Gene: ARL3 (ARF like GTPase 3; minus strand). Cytogenetic location: 10q24.32.
Variant type: single nucleotide variant.
Coding change: c.77A>G on transcript NM_004311.4 (MANE Select); coding-DNA position 77, A replaced by G.
Protein change: p.Asp26Gly; replaces aspartic acid 26 with glycine.
Molecular consequence: missense variant.
Genome position (GRCh38, 1-based): chr10:102,705,416, T>C on the plus strand (A>G on the coding strand, the complement: ARL3 is on the minus strand). VCF-style: chr10-102705416-T-C. GRCh37 (hg19) VCF-style: chr10-104465173-T-C.
Other names: short protein forms D26G.
Identifiers: ClinVar variation 1979909 (VCV001979909.4), dbSNP rs2064304152, ClinGen allele CA377923722.
Genomic context (GRCh38, chr10:102,705,416, plus strand): 5'-GTGATGTGGCTGATGTCTTCAGATGCAAGCTGCTTCAGAAGAGTGGTCTTGCCAGCATTA[T>C]CCAAGCCCAGGAGAAGTATTCTCACCTCCTGGTCTGGTGCACTTTTCAACTTGCGCAAAA-3'
Protein context (NP_004302.1, residues 16-36): QEVRILLLGL[Asp26Gly]NAGKTTLLKQ